The following is an entry in ClinVar:

NM_001939.3(DRP2):c.810G>C (p.Glu270Asp)

Gene: DRP2 (dystrophin related protein 2; plus strand). Cytogenetic location: Xq22.1.
Variant type: single nucleotide variant.
Coding change: c.810G>C on transcript NM_001939.3 (MANE Select); coding-DNA position 810, G replaced by C.
Protein change: p.Glu270Asp; replaces glutamic acid 270 with aspartic acid.
Molecular consequence: missense variant.
Genome position (GRCh38, 1-based): chrX:101,241,918, G>C. VCF-style: chrX-101241918-G-C. GRCh37 (hg19) VCF-style: chrX-100496907-G-C.
Other names: c.576G>C, p.Glu192Asp (NM_001171184.2); short protein forms E192D, E270D.
Identifiers: ClinVar variation 2718965 (VCV002718965.3), dbSNP rs2523069698, ClinGen allele CA413917935.
Genomic context (GRCh38, chrX:101,241,918, plus strand): 5'-TGAGGGAGTCCGAGCCACTTGGGAGCCCATTGGGGATCTCTTCATTGATTCACTCCCAGA[G>C]CACATCCAGGCTATTAAGGTATGCAAGCCCCCTCCCCTGACTACAGTCTACCCTGAGACC-3'
Protein context (NP_001930.2, residues 260-280): IGDLFIDSLP[Glu270Asp]HIQAIKLFKE

ClinVar aggregate classification (germline): Uncertain significance (1 of 4 stars; one submission).

Submission:

Labcorp Genetics (formerly Invitae), Labcorp
Classification: Uncertain significance. Last evaluated: 2023-06-18. Review status: criteria provided, single submitter. Criteria: Invitae Variant Classification Sherloc (09022015). Collection method: clinical testing. Allele origin: germline.
Comment: In summary, the available evidence is currently insufficient to determine the role of this variant in disease. Therefore, it has been classified as a Variant of Uncertain Significance. This variant has not been reported in the literature in individuals affected with DRP2-related conditions. Algorithms developed to predict the effect of missense changes on protein structure and function output the following: SIFT: "Not Available"; PolyPhen-2: "Benign"; Align-GVGD: "Not Available". The aspartic acid amino acid residue is found in multiple mammalian species, which suggests that this missense change does not adversely affect protein function. This variant is not present in population databases (gnomAD no frequency). This sequence change replaces glutamic acid, which is acidic and polar, with aspartic acid, which is acidic and polar, at codon 270 of the DRP2 protein (p.Glu270Asp).